The following is an entry in ClinVar:

NM_001018115.3(FANCD2):c.2T>C (p.Met1Thr)

Gene: FANCD2 (FA complementation group D2; plus strand). Cytogenetic location: 3p25.3.
Variant type: single nucleotide variant.
Coding change: c.2T>C on transcript NM_001018115.3 (MANE Select); coding-DNA position 2, T replaced by C.
Protein change: p.Met1Thr; changes the start codon (methionine 1).
Molecular consequence: missense variant, initiator codon variant.
Genome position (GRCh38, 1-based): chr3:10,028,659, T>C. VCF-style: chr3-10028659-T-C. GRCh37 (hg19) VCF-style: chr3-10070343-T-C.
Other names: c.2T>C, p.Met1Thr (NM_001319984.2, NM_001374253.1, NM_001374254.1 and 2 more transcripts); short protein forms M1T.
Identifiers: ClinVar variation 929652 (VCV000929652.4), dbSNP rs2086516483, ClinGen allele CA351715333.

ClinVar aggregate classification (germline): Uncertain significance. Review status: criteria provided, single submitter (1 of 4 stars). 2 submissions from 2 submitters: Uncertain significance (1). 1 of the submissions does not count toward it. Last evaluated 2025-02-03.

Conditions:
Fanconi anemia complementation group D2. Also called: FANCD2-Related Fanconi Anemia; FANCONI PANCYTOPENIA, TYPE 4; FANCONI ANEMIA, COMPLEMENTATION GROUP D. Identifiers: Orphanet 84, MedGen C3160738, MONDO:0009214, OMIM 227646.
Fanconi anemia (FA). Also called: Fanconi's anemia. Identifiers: Orphanet 84, MedGen C0015625, MeSH D005199, MONDO:0019391.

Submissions (2):

Labcorp Genetics (formerly Invitae), Labcorp
Classification: Uncertain significance for Fanconi anemia. Last evaluated: 2025-02-03. Review status: criteria provided, single submitter. Criteria: Invitae Variant Classification Sherloc (09022015). Collection method: clinical testing. Allele origin: germline.
Comment: This sequence change affects the initiator methionine of the FANCD2 mRNA. The next in-frame methionine is located at codon 127. This variant is not present in population databases (gnomAD no frequency). Disruption of the initiator codon has been observed in individual(s) with clinical features of Fanconi anemia (PMID: 17436244; internal data). ClinVar contains an entry for this variant (Variation ID: 929652). Experimental studies and prediction algorithms are not available or were not evaluated, and the functional significance of this variant is currently unknown. In summary, the available evidence is currently insufficient to determine the role of this variant in disease. Therefore, it has been classified as a Variant of Uncertain Significance.

Leiden Open Variation Database
Classification: Pathogenic for Fanconi anemia complementation group D2. Last evaluated: 2020-02-28. Review status: no assertion criteria provided. Collection method: curation. Allele origin: germline. Affected: yes. Not counted in ClinVar's aggregate classification.
Comment: Curator: Arleen D. Auerbach. Submitter to LOVD: Arleen D. Auerbach.

Literature cited by the submitters: PubMed 17436244 (cited by Labcorp Genetics (formerly Invitae), Labcorp and Leiden Open Variation Database).